The following is an entry in ClinVar:

ClinVar aggregate classification (germline): Uncertain significance (1 of 4 stars; one submission).

Conditions:
Deficiency of alpha-mannosidase (MANSA). Also called: Mannosidosis, alpha-, types I and II; Alpha-Mannosidosis; LYSOSOMAL ALPHA-D-MANNOSIDASE DEFICIENCY. Identifiers: Orphanet 61, MedGen C0024748, MONDO:0009561, OMIM 248500.

Allele frequency attached by ClinVar (database versions not stated): gnomAD exomes 0.00001.
gnomAD v4.1: 10 of 1,614,110 alleles (0.00062%); highest among the groups gnomAD compares: South Asian, 0.0011%; no homozygotes.

Submission:

Labcorp Genetics (formerly Invitae), Labcorp
Classification: Uncertain significance for Deficiency of alpha-mannosidase. Last evaluated: 2022-07-30. Review status: criteria provided, single submitter. Criteria: Invitae Variant Classification Sherloc (09022015). Collection method: clinical testing. Allele origin: germline.
Comment: This variant has not been reported in the literature in individuals affected with MAN2B1-related conditions. This variant is not present in population databases (gnomAD no frequency). This sequence change replaces aspartic acid, which is acidic and polar, with tyrosine, which is neutral and polar, at codon 654 of the MAN2B1 protein (p.Asp654Tyr). ClinVar contains an entry for this variant (Variation ID: 1408727). In summary, the available evidence is currently insufficient to determine the role of this variant in disease. Therefore, it has been classified as a Variant of Uncertain Significance. Algorithms developed to predict the effect of missense changes on protein structure and function (SIFT, PolyPhen-2, Align-GVGD) all suggest that this variant is likely to be tolerated.

NM_000528.4(MAN2B1):c.1960G>T (p.Asp654Tyr)

Gene: MAN2B1 (mannosidase alpha class 2B member 1; minus strand). Cytogenetic location: 19p13.13.
Variant type: single nucleotide variant.
Coding change: c.1960G>T on transcript NM_000528.4 (MANE Select); coding-DNA position 1960, G replaced by T.
Protein change: p.Asp654Tyr; replaces aspartic acid 654 with tyrosine.
Molecular consequence: missense variant.
Genome position (GRCh38, 1-based): chr19:12,652,239, C>A on the plus strand (G>T on the coding strand, the complement: MAN2B1 is on the minus strand). VCF-style: chr19-12652239-C-A. GRCh37 (hg19) VCF-style: chr19-12763053-C-A.
Other names: c.1957G>T, p.Asp653Tyr (NM_001173498.2); short protein forms D653Y, D654Y.
Identifiers: ClinVar variation 1408727 (VCV001408727.5), dbSNP rs932247520, ClinGen allele CA305464294.
Genomic context (GRCh38, chr19:12,652,239, plus strand): 5'-GGCTCACAGGCAGCGGTTTCTGTTGGTTGGGTCTGAAGATGTAGGCACCTGAGGCCTGGT[C>A]ACTTTCGTTGTCACCTATACTGGCGTTGTACCTGGAGTTGGGGCAGGTGAGAGTCAGGTA-3'
Protein context (NP_000519.2, residues 644-664): YNASIGDNES[Asp654Tyr]QASGAYIFRP